The following is an entry in ClinVar:

GRCh38/hg38 16p13.11(chr16:14907656-16281234)x3

Genes: NTAN1 (N-terminal asparagine amidase), PDXDC1 (pyridoxal dependent decarboxylase domain containing 1), RRN3 (RRN3 homolog, RNA polymerase I transcription factor), ABCC1 (ATP binding cassette subfamily C member 1 (ABCC1 blood group); plus strand), ABCC6 (ATP binding cassette subfamily C member 6; minus strand) and 40 more. Cytogenetic location: 16p13.11.
Variant type: copy number gain.
Change: copy number 3 (three copies instead of two) of chr16:14,907,656-16,281,234 (1.37 Mb, GRCh38 coordinates, 1-based), cytogenetic band 16p13.11.
Identifiers: ClinVar variation 57660 (VCV000057660.2).

ClinVar aggregate classification (germline): Uncertain significance (1 of 4 stars; one submission).

Submission:

ISCA Site 6
Classification: Uncertain significance. Last evaluated: 2011-08-12. Review status: criteria provided, single submitter. Criteria: Kaminsky et al. (Genet Med. 2011). Collection method: clinical testing. Allele origin: paternal. Affected: yes. Observed: 1 variant allele.
Comment: Copy number variation identified through the course of routine clinical cytogenomic testing in postnatal populations. Clinical assertions have been curated as described in Kaminsky et al. 2011.